The following is an entry in ClinVar:

ClinVar aggregate classification (germline): Pathogenic. Review status: criteria provided, multiple submitters, no conflicts (2 of 4 stars). 8 submissions from 8 submitters: Pathogenic (7). 1 of the submissions does not count toward it. Last evaluated 2024-11-25.

Conditions:
Hereditary cancer-predisposing syndrome. Also called: Hereditary Cancer Syndrome; Tumor predisposition; Neoplastic Syndromes, Hereditary; Hereditary neoplastic syndrome. Identifiers: Orphanet 140162, MedGen C0027672, MeSH D009386, MONDO:0015356.
Tuberous sclerosis syndrome (TSC). Also called: Tuberous Sclerosis Complex; Tuberous sclerosis. Identifiers: Orphanet 805, MedGen C0041341, MONDO:0001734.
Tuberous sclerosis 2 (TSC2). Identifiers: Orphanet 805, MedGen C1860707, MONDO:0013199, OMIM 613254.

Submissions (8):

Labcorp Genetics (formerly Invitae), Labcorp
Classification: Pathogenic for Tuberous sclerosis 2. Last evaluated: 2024-11-25. Review status: criteria provided, single submitter. Criteria: Invitae Variant Classification Sherloc (09022015). Collection method: clinical testing. Allele origin: germline.
Comment: This sequence change creates a premature translational stop signal (p.Val1069Aspfs*98) in the TSC2 gene. It is expected to result in an absent or disrupted protein product. Loss-of-function variants in TSC2 are known to be pathogenic (PMID: 10205261, 17304050). This variant is not present in population databases (gnomAD no frequency). This premature translational stop signal has been observed in individual(s) with tuberous sclerosis complex (PMID: 12111193). This variant is also known as 3224-3225delTG. For these reasons, this variant has been classified as Pathogenic.

CeGaT Center for Human Genetics Tuebingen
Classification: Pathogenic. Last evaluated: 2023-07-01. Review status: criteria provided, single submitter. Criteria: CeGaT Center For Human Genetics Tuebingen Variant Classification Criteria Version 2. Collection method: clinical testing. Allele origin: germline. Affected: yes. Observed: 1 variant allele.
Comment: TSC2: PVS1, PM2, PS4:Moderate

3billion
Classification: Pathogenic for Tuberous sclerosis 2. Last evaluated: 2022-09-01. Review status: criteria provided, single submitter. Criteria: ACMG Guidelines, 2015. Collection method: clinical testing. Allele origin: germline. Affected: yes. Observed: 1 heterozygote.
Comment: The variant is not observed in the gnomAD v2.1.1 dataset. Frameshift variant is predicted to result in a loss or disruption of normal protein function through nonsense-mediated decay (NMD) or protein truncation. Multiple pathogenic variants are reported downstream of the variant. The variant has been reported at least twice as pathogenic with clinical assertions and evidence for the classification (ClinVar ID: VCV000049246 / PMID: 12111193). Therefore, this variant is classified as Pathogenic according to the recommendation of ACMG/AMP guideline.

Genome-Nilou Lab
Classification: Pathogenic for Tuberous sclerosis 2. Last evaluated: 2021-11-07. Review status: criteria provided, single submitter. Criteria: ACMG Guidelines, 2015. Collection method: clinical testing. Allele origin: germline. Affected: no.

Ambry Genetics
Classification: Pathogenic for Hereditary cancer-predisposing syndrome. Last evaluated: 2018-09-14. Review status: criteria provided, single submitter. Criteria: Ambry Variant Classification Scheme 2023. Collection method: clinical testing. Allele origin: germline.
Comment: The c.3206_3207delTG pathogenic mutation, located in coding exon 27 of the TSC2 gene, results from a deletion of two nucleotides at nucleotide positions 3206 to 3207, causing a translational frameshift with a predicted alternate stop codon (p.V1069Dfs*98). This alteration was detected in one individual who fulfilled diagnostic criteria for Tuberous Sclerosis Complex (TSC) (Langkau N et al. Eur. J. Pediatr., 2002 Jul;161:393-402) and as a de novo occurrence in an infant with seizures and hypomelanotic macules (Li W et al. J. Neurogenet. Oct;30:285-287). In addition to the clinical data presented in the literature, this alteration is expected to result in loss of function by premature protein truncation or nonsense-mediated mRNA decay. As such, this alteration is interpreted as a disease-causing mutation.

Eurofins Ntd Llc (ga)
Classification: Pathogenic. Last evaluated: 2017-02-05. Review status: criteria provided, single submitter. Criteria: EGL Classification Definitions 2015. Collection method: clinical testing. Allele origin: germline. Observed: 1 variant allele, 1 heterozygote.

Athena Diagnostics
Classification: Pathogenic for Tuberous sclerosis 2. Last evaluated: 2013-06-14. Review status: criteria provided, single submitter. Criteria: Athena Diagnostics Criteria. Collection method: clinical testing. Allele origin: germline. Inheritance: Autosomal dominant inheritance.

Tuberous sclerosis database (TSC2)
No classification provided. Condition: TSC. Review status: no classification provided. Criteria: Tuberous Sclerosis Database Assertion Criteria 2015. Collection method: curation. Allele origin: germline. Affected: yes. Not counted in ClinVar's aggregate classification.

Literature cited by the submitters: PubMed 10205261 (cited by Labcorp Genetics (formerly Invitae), Labcorp); PubMed 17304050 (cited by Labcorp Genetics (formerly Invitae), Labcorp); PubMed 12111193 (cited by 4 submitters); PubMed 27776463 (cited by Ambry Genetics and Eurofins Ntd Llc (ga)); PubMed 15121797 (cited by Eurofins Ntd Llc (ga)).

NM_000548.5(TSC2):c.3206_3207del (p.Val1069fs)

Gene: TSC2 (TSC complex subunit 2; plus strand). Cytogenetic location: 16p13.3.
Variant type: Microsatellite.
Coding change: c.3206_3207del on transcript NM_000548.5 (MANE Select); coding-DNA positions 3206 to 3207, 2 bases deleted (TG; older notation c.3206_3207delTG).
Protein change: p.Val1069fs; shifts the reading frame from valine 1069.
Molecular consequence: frameshift variant.
Genome position (GRCh38, 1-based): chr16:2,079,350-2,079,351, TG deleted; deleting any 2 consecutive bases within chr16:2,079,348-2,079,351 gives the same sequence; the c. name uses the placement nearest the transcript's 3' end. VCF-style (leftmost placement, unchanged base first): chr16-2079347-CTG-C. GRCh37 (hg19) VCF-style: chr16-2129348-CTG-C.
Other names: c.3206_3207delTG (NM_000548.3); c.2474_2475del, p.Val825fs (NM_001318831.2); c.3107_3108del, p.Val1036fs (NM_001318832.2); c.3077_3078del, p.Val1026fs (NM_001363528.2, NM_001370405.1, NM_021055.3); c.3074_3075del, p.Val1025fs (NM_001370404.1, NM_001077183.3); c.3206_3207del, p.Val1069fs (NM_001114382.3); c.2966_2967del, p.Val989fs (NM_001318827.2); c.2930_2931del, p.Val977fs (NM_001318829.2); short protein forms V1026fs, V825fs, V1025fs, V1036fs, V989fs, V1069fs, V977fs.
Identifiers: ClinVar variation 49246 (VCV000049246.40), dbSNP rs137854076, ClinGen allele CA018681.